The following is an entry in ClinVar:

NM_001395413.1(POR):c.1519_1561dup (p.Pro521fs)

Gene: POR (cytochrome p450 oxidoreductase; plus strand). Cytogenetic location: 7q11.23.
Variant type: Duplication.
Coding change: c.1519_1561dup on transcript NM_001395413.1 (MANE Select); coding-DNA positions 1519 to 1561, 43 bases duplicated.
Protein change: p.Pro521fs; shifts the reading frame from proline 521.
Molecular consequence: frameshift variant.
Genome position (GRCh38, 1-based): chr7:75,985,708-75,985,750, 43 bases duplicated. GRCh37 (hg19): chr7:75,615,026-75,615,068.
Other names: c.1528_1570dup, p.Pro524Argfs (NM_000941.2, NM_000941.3); c.1519_1561dup, p.Pro521fs (NM_001367562.3, NM_001382657.2, NM_001382658.3 and 1 more transcripts); c.1573_1615dup, p.Pro539fs (NM_001382655.3); c.1369_1411dup, p.Pro471fs (NM_001382662.3); short protein forms P471fs, P521fs, P539fs.
Identifiers: ClinVar variation 2840887 (VCV002840887.3), dbSNP rs2535409791, ClinGen allele CA2739266477.

ClinVar aggregate classification (germline): Pathogenic (1 of 4 stars; one submission).

Conditions:
Congenital adrenal hyperplasia due to cytochrome P450 oxidoreductase deficiency. Also called: DISORDERED STEROIDOGENESIS DUE TO POR DEFICIENCY. Identifiers: Orphanet 95699, MedGen C1860042, MONDO:0013310, OMIM 613571.

Submission:

Labcorp Genetics (formerly Invitae), Labcorp
Classification: Pathogenic for Congenital adrenal hyperplasia due to cytochrome P450 oxidoreductase deficiency. Last evaluated: 2023-02-26. Review status: criteria provided, single submitter. Criteria: Invitae Variant Classification Sherloc (09022015). Collection method: clinical testing. Allele origin: germline.
Comment: This sequence change creates a premature translational stop signal (p.Pro524Argfs*65) in the POR gene. It is expected to result in an absent or disrupted protein product. Loss-of-function variants in POR are known to be pathogenic (PMID: 14758361, 20732302, 21741353). This variant is not present in population databases (gnomAD no frequency). This variant has not been reported in the literature in individuals affected with POR-related conditions. For these reasons, this variant has been classified as Pathogenic.

Literature cited by the submitters: PubMed 14758361; PubMed 20732302; PubMed 21741353.